The following is an entry in ClinVar:

NM_000359.3(TGM1):c.1363T>C (p.Trp455Arg)

Gene: TGM1 (transglutaminase 1; minus strand). Cytogenetic location: 14q12.
Variant type: single nucleotide variant.
Coding change: c.1363T>C on transcript NM_000359.3 (MANE Select); coding-DNA position 1363, T replaced by C.
Protein change: p.Trp455Arg; replaces tryptophan 455 with arginine.
Molecular consequence: missense variant.
Genome position (GRCh38, 1-based): chr14:24,258,324, A>G on the plus strand (T>C on the coding strand, the complement: TGM1 is on the minus strand). VCF-style: chr14-24258324-A-G. GRCh37 (hg19) VCF-style: chr14-24727530-A-G.
Other names: short protein forms W455R.
Identifiers: ClinVar variation 217304 (VCV000217304.5), dbSNP rs863223405, ClinGen allele CA279146.

ClinVar aggregate classification (germline): Likely pathogenic. Review status: criteria provided, multiple submitters, no conflicts (2 of 4 stars). 4 submissions from 4 submitters: Likely pathogenic (2). 2 of the submissions do not count toward it. Last evaluated 2025-08-06.

Conditions:
Ichthyosis. Also called: Ichthyosis (disease). Identifiers: Orphanet 79354, MedGen C0020757, MONDO:0019269, HP:0008064.
Autosomal recessive congenital ichthyosis 1 (LI1). Also called: ICHTHYOSIS CONGENITA; ICHTHYOSIS CONGENITA II; LAMELLAR EXFOLIATION OF NEWBORN; ICHTHYOSIS, CONGENITAL, AUTOSOMAL RECESSIVE 1, WITH OR WITHOUT BATHING SUIT DISTRIBUTION; COLLODION FETUS; DESQUAMATION OF NEWBORN. Identifiers: MedGen C4551630, MONDO:0009441, OMIM 242300.

Submissions (4):

Natera, Inc.
Classification: Likely pathogenic for Autosomal recessive congenital ichthyosis type 1. Last evaluated: 2025-08-06. Review status: criteria provided, single submitter. Criteria: Natera Variant Classification Schema (03/2026). Collection method: clinical testing. Allele origin: germline.
Comment: The c.1363T>C variant in TGM1 is a missense variant predicted to cause substitution of tryptophan to arginine at amino acid 455. This variant is rare in the general population with a frequency below the threshold expected for the associated phenotype(s). This variant has been observed in one or more individuals affected with the associated recessive disease, as either homozygous or compound heterozygous with a second variant (PMID: 26578203). Additionally, this variant has been observed to segregate in affected family members (PMID: 26578203). Computational prediction algorithms indicate this variant is likely to affect gene or protein function. Given the available evidence, this variant is classified as Likely Pathogenic.

Foundation for Research in Genetics and Endocrinology, FRIGE's Institute of Human Genetics
Classification: Likely pathogenic for Autosomal recessive congenital ichthyosis 1. Last evaluated: 2020-05-20. Review status: criteria provided, single submitter. Criteria: ACMG Guidelines, 2015. Collection method: clinical testing. Allele origin: germline. Inheritance: Autosomal recessive inheritance. Affected: no. Observed: 1 homozygote.
Comment: A homozygous missense variation in exon 9 of the TGM1 gene that results in the amino acid substitution of Arginine for Tryptophan at codon 455 was detected. The observed variant c.1363T>C (p.Trp455Arg) has not been reported in the 1000 genomes and ExAC databases. The observed variation lies in the transglutaminase-like superfamily domain of the TGM1 protein and has previously been reported in patients affected with congenital ichthyosis (Ullah, Rahim et al. 2016). The in silico prediction of the variant are probably damaging by PolyPhen-2 (HumDiv) and damaging by SIFT, LRT and MutationTaster2. The reference codon is conserved across species. In summary, the variant meets our criteria to be classified as likely pathogenic.

University of Washington Center for Mendelian Genomics, University of Washington
Classification: Pathogenic for Ichthyosis. Last evaluated: 2015-11-17. Review status: no assertion criteria provided. Collection method: research. Allele origin: germline. Inheritance: Autosomal recessive inheritance. Affected: yes. Observed: 2 homozygotes. Not counted in ClinVar's aggregate classification.

Department of Molecular and Human Genetics, Baylor College of Medicine
Classification: Pathogenic for Ichthyosis, congenital, autosomal recessive 1; ARCI1. Review status: no assertion criteria provided. Collection method: research. Allele origin: germline. Affected: yes. Not counted in ClinVar's aggregate classification.

Literature cited by the submitters: PubMed 26578203 (cited by Natera, Inc.); PMC 5090260 (cited by University of Washington Center for Mendelian Genomics, University of Washington); PubMed 24824130 (cited by Department of Molecular and Human Genetics, Baylor College of Medicine).